The following is an entry in ClinVar:

NC_000017.10:g.(?_29588709)_(29701193_?)del

Genes: EVI2A (ecotropic viral integration site 2A; minus strand), EVI2B (ecotropic viral integration site 2B; minus strand), NF1 (neurofibromin 1; plus strand), OMG (oligodendrocyte myelin glycoprotein; minus strand). Cytogenetic location: 17q11.2.
Variant type: Deletion.
Identifiers: ClinVar variation 1072220 (VCV001072220.3).

ClinVar aggregate classification (germline): Pathogenic (1 of 4 stars; one submission).

Conditions:
Neurofibromatosis, type 1 (NF1). Also called: VON RECKLINGHAUSEN DISEASE; Peripheral type neurofibromatosis; NEUROFIBROMATOSIS, TYPE I, SOMATIC; Neurofibromatosis, type I. Identifiers: Orphanet 636, MedGen C0027831, MONDO:0018975, OMIM 162200. Disease mechanism: loss of function.

Submission:

Labcorp Genetics (formerly Invitae), Labcorp
Classification: Pathogenic for Neurofibromatosis, type 1. Last evaluated: 2020-03-26. Review status: criteria provided, single submitter. Criteria: Invitae Variant Classification Sherloc (09022015). Collection method: clinical testing. Allele origin: germline.
Comment: For these reasons, this variant has been classified as Pathogenic. The region of the NF1 gene that includes exon(s) 51 has been determined to be clinically significant (PMID: 26189818). Therefore, deletions that encompass that region are likely to disrupt protein function and cause disease. This variant has not been reported in the literature in individuals with NF1-related conditions. This variant is a gross deletion of the genomic region encompassing exon(s) 34-57 of the NF1 gene. The 5' boundary is likely confined to intron 33. The 3' end of this event is unknown as it extends through the termination codon beyond the assayed region for this gene and may encompass additional genes. While this deletion is not anticipated to result in nonsense mediated decay, it is expected to create a truncated protein product or disrupt mRNA translation.

Literature cited by the submitters: PubMed 26189818.